The following is an entry in ClinVar:

ClinVar aggregate classification (germline): Conflicting classifications of pathogenicity. Review status: criteria provided, conflicting classifications (1 of 4 stars). 3 submissions from 3 submitters: Pathogenic (1); Likely pathogenic (1); Uncertain significance (1). Last evaluated 2025-08-08.

Conditions:
Autosomal recessive limb-girdle muscular dystrophy type 2J (LGMDR10). Also called: MUSCULAR DYSTROPHY, LIMB-GIRDLE, AUTOSOMAL RECESSIVE 10; Limb-girdle muscular dystrophy, type 2J. Identifiers: Orphanet 140922, MedGen C1837342, MONDO:0012127, OMIM 608807.
Dilated cardiomyopathy 1G (CMD1G). Identifiers: Orphanet 154, MedGen C1858763, MONDO:0011400, OMIM 604145.

Submissions (3):

GeneDx
Classification: Pathogenic. Last evaluated: 2025-08-08. Review status: criteria provided, single submitter. Criteria: GeneDx Variant Classification Process June 2021. Collection method: clinical testing. Allele origin: germline. Affected: yes.
Comment: Frameshift variant predicted to result in protein truncation or nonsense mediated decay in a gene for which loss of function is a known mechanism of disease; Located in a region of TTN in which the majority of pathogenic variants have been reported in association with autosomal recessive skeletal myopathies (PMID: 28040389, 29575618, 31660661, 32778822); Not observed at significant frequency in large population cohorts (gnomAD); Has not been previously published as pathogenic or benign to our knowledge; This variant is associated with the following publications: (PMID: 28040389, 29575618, 31660661, 32778822)

Labcorp Genetics (formerly Invitae), Labcorp
Classification: Likely pathogenic for Dilated cardiomyopathy 1G; Autosomal recessive limb-girdle muscular dystrophy type 2J. Last evaluated: 2024-06-03. Review status: criteria provided, single submitter. Criteria: Invitae Variant Classification Sherloc (09022015). Collection method: clinical testing. Allele origin: germline.
Comment: This sequence change creates a premature translational stop signal (p.Val12135Cysfs*23) in the TTN gene. While this is not anticipated to result in nonsense mediated decay, it is expected to create a truncated TTN protein. This variant is not present in population databases (gnomAD no frequency). This variant has not been reported in the literature in individuals affected with TTN-related conditions. ClinVar contains an entry for this variant (Variation ID: 1310635). This variant is located in the I band of TTN (PMID: 25589632). Truncating variants in this region have been reported in individuals affected with autosomal recessive centronuclear myopathy (PMID: 23975875, Invitae internal data). Truncating variants in this region have also been identified in individuals affected with autosomal dominant dilated cardiomyopathy and/or cardio-related conditions (PMID: 27869827, 32964742, Invitae internal data). In summary, the currently available evidence indicates that the variant is pathogenic, but additional data are needed to prove that conclusively. Therefore, this variant has been classified as Likely Pathogenic.

AiLife Diagnostics
Classification: Uncertain significance. Last evaluated: 2021-12-15. Review status: criteria provided, single submitter. Criteria: ACMG Guidelines, 2015. Collection method: clinical testing. Allele origin: germline. Affected: yes. Observed: 1 variant allele.

Literature cited by the submitters: PubMed 25589632 (cited by Labcorp Genetics (formerly Invitae), Labcorp); PubMed 23975875 (cited by Labcorp Genetics (formerly Invitae), Labcorp); PubMed 27869827 (cited by Labcorp Genetics (formerly Invitae), Labcorp); PubMed 32964742 (cited by Labcorp Genetics (formerly Invitae), Labcorp).

NM_001267550.2(TTN):c.36402del (p.Val12135fs)

Gene: TTN (titin; minus strand). Cytogenetic location: 2q31.2.
Variant type: Deletion.
Coding change: c.36402del on transcript NM_001267550.2 (MANE Select); coding-DNA position 36402, one base deleted (A; older notation c.36402delA).
Protein change: p.Val12135fs; shifts the reading frame from valine 12135.
Molecular consequence: frameshift variant. On other transcripts: intron variant (5).
Genome position (GRCh38, 1-based): chr2:178,663,865, T deleted on the plus strand (A on the coding strand, the reverse complement: TTN is on the minus strand); the first of 3 consecutive T bases (chr2:178,663,865-178,663,867); deleting any one gives the same sequence. VCF-style (leftmost placement, unchanged base first): chr2-178663864-CT-C. GRCh37 (hg19) VCF-style: chr2-179528591-CT-C.
Other names: c.36402del (NM_001267550.1); c.13283-21548del (NM_003319.4); c.13859-21548del (NM_133437.4); c.13658-21548del (NM_133432.3); c.31484-810del (NM_133378.4); c.34265-810del (NM_001256850.1); short protein forms V12135fs.
Identifiers: ClinVar variation 1310635 (VCV001310635.7), dbSNP rs1271664419, ClinGen allele CA761301360.
Genomic context (GRCh38, chr2:178,663,864, plus strand): 5'-GTCAGTGGCAACTACCTTTAACAGGTGGGACTTCAGGCTCTTTAGGAGGAGCCAAGGGCA[CT>C]TTCTCTTCGCGGATAACCTCTTTGGAAGCTTCTGGCACTTGAAAGATATTAGTGAAATTA-3'